The following is an entry in ClinVar:

NM_181705.4(LYRM7):c.278A>G (p.Asn93Ser)

Gene: LYRM7 (LYR motif containing 7; plus strand). Cytogenetic location: 5q23.3.
Variant type: single nucleotide variant.
Coding change: c.278A>G on transcript NM_181705.4 (MANE Select); coding-DNA position 278, A replaced by G.
Protein change: p.Asn93Ser; replaces asparagine 93 with serine.
Molecular consequence: missense variant. On other transcripts: 3 prime UTR variant (1), non-coding transcript variant (1).
Genome position (GRCh38, 1-based): chr5:131,199,564, A>G. VCF-style: chr5-131199564-A-G. GRCh37 (hg19) VCF-style: chr5-130535257-A-G.
Other names: c.*4A>G (NM_001293735.2); short protein forms N93S.
Identifiers: ClinVar variation 1806634 (VCV001806634.1), dbSNP rs528669849, ClinGen allele CA3398805.

ClinVar aggregate classification (germline): Uncertain significance (1 of 4 stars; one submission).

Allele frequency attached by ClinVar (database versions not stated): gnomAD exomes below 0.00001; ExAC 0.00002; gnomAD 0.00006; TOPMed 0.00009; 1000 Genomes Project 30x 0.00031; 1000 Genomes Project 0.00040.
gnomAD v4.1: 17 of 1,606,346 alleles (0.0011%); highest among the groups gnomAD compares: African/African-American, 0.016%; no homozygotes.

Submission:

GeneDx
Classification: Uncertain significance. Last evaluated: 2022-12-21. Review status: criteria provided, single submitter. Criteria: GeneDx Variant Classification Process June 2021. Collection method: clinical testing. Allele origin: germline. Affected: yes.
Comment: In silico analysis supports that this missense variant has a deleterious effect on protein structure/function; Has not been previously published as pathogenic or benign to our knowledge